The following is an entry in ClinVar:

NM_152703.5(SAMD9L):c.3391A>G (p.Ile1131Val)

Gene: SAMD9L (sterile alpha motif domain containing 9 like; minus strand). Cytogenetic location: 7q21.2.
Variant type: single nucleotide variant.
Coding change: c.3391A>G on transcript NM_152703.5 (MANE Select); coding-DNA position 3391, A replaced by G.
Protein change: p.Ile1131Val; replaces isoleucine 1131 with valine.
Molecular consequence: missense variant.
Genome position (GRCh38, 1-based): chr7:93,132,581, T>C on the plus strand (A>G on the coding strand, the complement: SAMD9L is on the minus strand). VCF-style: chr7-93132581-T-C. GRCh37 (hg19) VCF-style: chr7-92761894-T-C.
Other names: c.3391A>G, p.Ile1131Val (NM_001303498.3, NM_001303500.3, NM_001350082.2 and 5 more transcripts); short protein forms I1131V.
Identifiers: ClinVar variation 4863965 (VCV004863965.1).

ClinVar aggregate classification (germline): Uncertain significance (1 of 4 stars; one submission).

Conditions:
Inborn genetic diseases. Identifiers: MedGen C0950123, MeSH D030342.

Submission:

Ambry Genetics
Classification: Uncertain significance for Inborn genetic diseases. Last evaluated: 2026-04-25. Review status: criteria provided, single submitter. Criteria: Ambry Variant Classification Scheme 2023. Collection method: clinical testing. Allele origin: germline.
Comment: The p.I1131V variant (also known as c.3391A>G), located in coding exon 1 of the SAMD9L gene, results from an A to G substitution at nucleotide position 3391. The isoleucine at codon 1131 is replaced by valine, an amino acid with highly similar properties. This amino acid position is conserved. In addition, this alteration is predicted to be tolerated by in silico analysis. Based on the available evidence, the clinical significance of this variant remains unclear.